The following is an entry in ClinVar:

ClinVar aggregate classification (germline): Likely pathogenic. Review status: criteria provided, multiple submitters, no conflicts (2 of 4 stars). 2 submissions from 2 submitters: Likely pathogenic (2). Last evaluated 2026-04-24.

Conditions:
Cardiovascular phenotype. Identifiers: MedGen CN230736.
Myofibrillar myopathy 6. Identifiers: Orphanet 199340, MedGen C2751831, MONDO:0013061, OMIM 612954.
Dilated cardiomyopathy 1HH (CMD1HH). Identifiers: Orphanet 154, MedGen C3151293, MONDO:0013479, OMIM 613881.

Submissions (2):

Ambry Genetics
Classification: Likely pathogenic for Cardiovascular phenotype. Last evaluated: 2026-04-24. Review status: criteria provided, single submitter. Criteria: Ambry Variant Classification Scheme 2023. Collection method: clinical testing. Allele origin: germline.
Comment: The c.1410delC variant, located in coding exon 4 of the BAG3 gene, results from a deletion of one nucleotide at nucleotide position 1410, causing a translational frameshift with a predicted alternate stop codon (p.E471Rfs*95). This variant occurs at the 3' terminus of the gene, is not expected to trigger nonsense-mediated mRNA decay, and impacts the last 18% of the protein. However, premature stop codons are typically deleterious in nature, a significant portion of the protein is affected, and the impacted region is critical for protein function (Ambry internal data). This variant was identified in one or more individuals with features consistent with dilated cardiomyopathy and segregated with disease in at least one family (external communication). This variant is considered to be rare based on population cohorts in the Genome Aggregation Database (gnomAD). Based on the majority of available evidence to date, this variant is likely to be pathogenic.

Labcorp Genetics (formerly Invitae), Labcorp
Classification: Likely pathogenic for Dilated cardiomyopathy 1HH; Myofibrillar myopathy 6. Last evaluated: 2021-04-08. Review status: criteria provided, single submitter. Criteria: Invitae Variant Classification Sherloc (09022015). Collection method: clinical testing. Allele origin: germline.
Comment: This variant is not present in population databases (ExAC no frequency). In summary, the currently available evidence indicates that the variant is pathogenic, but additional data are needed to prove that conclusively. Therefore, this variant has been classified as Likely Pathogenic. This variant disrupts the C-terminus of the BAG3 protein. Other variant(s) that disrupt this region (p.Arg473*) have been observed in individuals with BAG3-related conditions (PMID: 28436997). This suggests that this may be a clinically significant region of the protein. This variant has been observed in individual(s) with clinical features of BAG3-related conditions (Invitae). It has also been observed to segregate with disease in related individuals. This sequence change results in a premature translational stop signal in the BAG3 gene (p.Glu471Argfs*95). While this is not anticipated to result in nonsense mediated decay, it is expected to disrupt the last 105 amino acids of the BAG3 protein.

Literature cited by the submitters: PubMed 28436997 (cited by Labcorp Genetics (formerly Invitae), Labcorp).

NM_004281.4(BAG3):c.1410del (p.Glu471fs)

Gene: BAG3 (BAG cochaperone 3; plus strand). Cytogenetic location: 10q26.11.
Variant type: Deletion.
Coding change: c.1410del on transcript NM_004281.4 (MANE Select); coding-DNA position 1410, one base deleted (C; older notation c.1410delC).
Protein change: p.Glu471fs; shifts the reading frame from glutamic acid 471.
Molecular consequence: frameshift variant.
Genome position (GRCh38, 1-based): chr10:119,676,964, C deleted; the last of 4 consecutive C bases (chr10:119,676,961-119,676,964); deleting any one gives the same sequence. VCF-style (leftmost placement, unchanged base first): chr10-119676960-AC-A. GRCh37 (hg19) VCF-style: chr10-121436472-AC-A.
Other names: c.1410delC (NM_004281.3); short protein forms E471fs.
Identifiers: ClinVar variation 1066730 (VCV001066730.10), dbSNP rs2134069295, ClinGen allele CA2499220177.
Genomic context (GRCh38, chr10:119,676,960, plus strand): 5'-AAAAGTACCTGATGATCGAAGAGTATTTGACCAAAGAGCTGCTGGCCCTGGATTCAGTGG[AC>A]CCCGAGGGACGAGCCGATGTGCGTCAGGCCAGGAGAGACGGTGTCAGGAAGGTTCAGACC-3'